The following is an entry in ClinVar:

ClinVar aggregate classification (germline): Uncertain significance. Review status: criteria provided, multiple submitters, no conflicts (2 of 4 stars). 3 submissions from 3 submitters: Uncertain significance (3). Last evaluated 2025-12-08.

Conditions:
Inborn genetic diseases. Identifiers: MedGen C0950123, MeSH D030342.

Allele frequency attached by ClinVar (database versions not stated): ExAC 0.00002.
gnomAD v4.1: 15 of 1,611,758 alleles (0.00093%); highest among the groups gnomAD compares: African/African-American, 0.0013%; no homozygotes.

Submissions (3):

Labcorp Genetics (formerly Invitae), Labcorp
Classification: Uncertain significance. Last evaluated: 2025-12-08. Review status: criteria provided, single submitter. Criteria: Invitae Variant Classification Sherloc (09022015). Collection method: clinical testing. Allele origin: germline.
Comment: This sequence change replaces arginine, which is basic and polar, with tryptophan, which is neutral and slightly polar, at codon 271 of the DDX41 protein (p.Arg271Trp). This variant is present in population databases (rs778379292, gnomAD 0.002%). This missense change has been observed in individual(s) with cytopenia (PMID: 37199125). ClinVar contains an entry for this variant (Variation ID: 2573963). An algorithm developed to predict the effect of missense changes on protein structure and function (PolyPhen-2) suggests that this variant is likely to be disruptive. In summary, the available evidence is currently insufficient to determine the role of this variant in disease. Therefore, it has been classified as a Variant of Uncertain Significance.

Ambry Genetics
Classification: Uncertain significance for Inborn genetic diseases. Last evaluated: 2025-03-28. Review status: criteria provided, single submitter. Criteria: Ambry Variant Classification Scheme 2023. Collection method: clinical testing. Allele origin: germline.
Comment: The p.R271W variant (also known as c.811C>T), located in coding exon 9 of the DDX41 gene, results from a C to T substitution at nucleotide position 811. The arginine at codon 271 is replaced by tryptophan, an amino acid with dissimilar properties. This variant has been reported in eight United Kingdom Biobank participants in a study of the prevalence of DDX41 variants in the general population (Cheloor Kovilakam S et al. Blood, 2023 Oct;142:1185-1192). This variant has also been identified in one individual with cytopenia; however, germline origin was not confirmed (Badar T et al. Haematologica, 2023 Nov;108:3033-3043). This amino acid position is highly conserved in available vertebrate species. In addition, the in silico prediction for this alteration is inconclusive. Based on the available evidence, the clinical significance of this variant remains unclear.

GeneDx
Classification: Uncertain significance. Last evaluated: 2023-01-19. Review status: criteria provided, single submitter. Criteria: GeneDx Variant Classification Process June 2021. Collection method: clinical testing. Allele origin: germline. Affected: yes.
Comment: Not observed at significant frequency in large population cohorts (gnomAD); In silico analysis supports that this missense variant has a deleterious effect on protein structure/function; Has not been previously published as pathogenic or benign to our knowledge; This variant is associated with the following publications: (PMID: 27721487)

Literature cited by the submitters: PubMed 37199125 (cited by Labcorp Genetics (formerly Invitae), Labcorp and Ambry Genetics); PubMed 37506341 (cited by Ambry Genetics).

NM_016222.4(DDX41):c.811C>T (p.Arg271Trp)

Gene: DDX41 (DEAD-box helicase 41; minus strand). Cytogenetic location: 5q35.3.
Variant type: single nucleotide variant.
Coding change: c.811C>T on transcript NM_016222.4 (MANE Select); coding-DNA position 811, C replaced by T.
Protein change: p.Arg271Trp; replaces arginine 271 with tryptophan.
Molecular consequence: missense variant.
Genome position (GRCh38, 1-based): chr5:177,514,825, G>A on the plus strand (C>T on the coding strand, the complement: DDX41 is on the minus strand). VCF-style: chr5-177514825-G-A. GRCh37 (hg19) VCF-style: chr5-176941826-G-A.
Other names: c.433C>T, p.Arg145Trp (NM_001321732.2, NM_001321830.2); short protein forms R145W, R271W.
Identifiers: ClinVar variation 2573963 (VCV002573963.5), dbSNP rs778379292, ClinGen allele CA3585002.
Genomic context (GRCh38, chr5:177,514,825, plus strand): 5'-GTGGTGAGCTGTCCTCCTGCAGCAGGCGGCAGTAGTACTCCAGGATGCCATGGGTCTGCC[G>A]GGCCAGCTCCCGCTGCAGGCAGAGGGACAAAGGCTGGCACCAGATGGCAGCCCCAATCTC-3'
Protein context (NP_057306.2, residues 261-281): LIICPSRELA[Arg271Trp]QTHGILEYYC